The following is an entry in ClinVar:

NM_022089.4(ATP13A2):c.2906T>C (p.Val969Ala)

Gene: ATP13A2 (ATPase cation transporting 13A2; minus strand). Cytogenetic location: 1p36.13.
Variant type: single nucleotide variant.
Coding change: c.2906T>C on transcript NM_022089.4 (MANE Select); coding-DNA position 2906, T replaced by C.
Protein change: p.Val969Ala; replaces valine 969 with alanine.
Molecular consequence: missense variant.
Genome position (GRCh38, 1-based): chr1:16,987,223, A>G on the plus strand (T>C on the coding strand, the complement: ATP13A2 is on the minus strand). VCF-style: chr1-16987223-A-G. GRCh37 (hg19) VCF-style: chr1-17313718-A-G.
Other names: c.2891T>C, p.Val964Ala (NM_001141973.3); c.2774T>C, p.Val925Ala (NM_001141974.3); short protein forms V925A, V964A, V969A.
Identifiers: ClinVar variation 3762579 (VCV003762579.2).

ClinVar aggregate classification (germline): Uncertain significance (1 of 4 stars; one submission).

Conditions:
Kufor-Rakeb syndrome (KRS). Also called: PARKINSON DISEASE 9, AUTOSOMAL RECESSIVE, JUVENILE-ONSET. Identifiers: Orphanet 306674, Orphanet 314632, MedGen C1847640, MONDO:0011706, OMIM 606693.
Autosomal recessive spastic paraplegia type 78. Identifiers: Orphanet 513436, MedGen C5567893, MONDO:0014975, OMIM 617225.

gnomAD v4.1: 20 of 1,613,696 alleles (0.0012%); highest among the groups gnomAD compares: Non-Finnish European, 0.0017%; no homozygotes.

Submission:

Labcorp Genetics (formerly Invitae), Labcorp
Classification: Uncertain significance for Kufor-Rakeb syndrome; Autosomal recessive spastic paraplegia type 78. Last evaluated: 2024-05-31. Review status: criteria provided, single submitter. Criteria: Invitae Variant Classification Sherloc (09022015). Collection method: clinical testing. Allele origin: germline.
Comment: This sequence change replaces valine, which is neutral and non-polar, with alanine, which is neutral and non-polar, at codon 969 of the ATP13A2 protein (p.Val969Ala). This variant is present in population databases (no rsID available, gnomAD 0.007%). This variant has not been reported in the literature in individuals affected with ATP13A2-related conditions. Advanced modeling of protein sequence and biophysical properties (such as structural, functional, and spatial information, amino acid conservation, physicochemical variation, residue mobility, and thermodynamic stability) performed at Invitae indicates that this missense variant is not expected to disrupt ATP13A2 protein function with a negative predictive value of 80%. In summary, the available evidence is currently insufficient to determine the role of this variant in disease. Therefore, it has been classified as a Variant of Uncertain Significance.